The following is an entry in ClinVar:

ClinVar aggregate classification (germline): Benign. Review status: criteria provided, multiple submitters, no conflicts (2 of 4 stars). 2 submissions from 2 submitters: Benign (2). Last evaluated 2016-03-28.

Allele frequency attached by ClinVar (database versions not stated): gnomAD 0.67461 and 0.68004; TOPMed 0.67923; gnomAD exomes 0.71204; 1000 Genomes Project 30x 0.71861; 1000 Genomes Project 0.72584; ExAC 0.73297.
gnomAD v4.1: 1,092,782 of 1,600,480 alleles (68%); highest among the groups gnomAD compares: East Asian, 83%; 374,742 homozygotes.

Submissions (2):

Laboratory for Molecular Medicine, Mass General Brigham Personalized Medicine
Classification: Benign. Last evaluated: 2016-03-28. Review status: criteria provided, single submitter. Criteria: LMM Criteria. Collection method: clinical testing. Allele origin: germline.
Comment: Variant identified in a genome or exome case(s) and assessed due to predicted null impact of the variant or pathogenic assertions in the literature or databases. Disclaimer: This variant has not undergone full assessment. The following are preliminary notes: 73% of total chromosomes in ExAC

Breakthrough Genomics
Classification: Benign. Review status: criteria provided, single submitter. Criteria: ACMG Guidelines, 2015. Collection method: not provided. Allele origin: germline. Inheritance: Unknown mechanism. Affected: yes.

NM_001097.3(ACR):c.886A>G (p.Met296Val)

Gene: ACR (acrosin; plus strand). Cytogenetic location: 22q13.33.
Variant type: single nucleotide variant.
Coding change: c.886A>G on transcript NM_001097.3 (MANE Select); coding-DNA position 886, A replaced by G.
Protein change: p.Met296Val; replaces methionine 296 with valine.
Molecular consequence: missense variant.
Genome position (GRCh38, 1-based): chr22:50,744,827, A>G. VCF-style: chr22-50744827-A-G. GRCh37 (hg19) VCF-style: chr22-51183255-A-G.
Other names: short protein forms M296V.
Identifiers: ClinVar variation 402336 (VCV000402336.5), dbSNP rs5771002, ClinGen allele CA10326708.